The following is an entry in ClinVar:

ClinVar aggregate classification (germline): Conflicting classifications of pathogenicity. Review status: criteria provided, conflicting classifications (1 of 4 stars). 4 submissions from 4 submitters: Uncertain significance (1); Likely benign (2). 1 of the submissions does not count toward it. Last evaluated 2025-11-28.

Conditions:
TRIM32-related disorder. Also called: TRIM32-related condition.
Bardet-Biedl syndrome (BBS). Identifiers: Orphanet 110, MedGen C0752166, MONDO:0015229.

Allele frequency attached by ClinVar (database versions not stated): ExAC 0.00003; gnomAD exomes 0.00005; gnomAD 0.00010 and 0.00011; TOPMed 0.00016.
gnomAD v4.1: 53 of 1,613,964 alleles (0.0033%); highest among the groups gnomAD compares: Admixed American, 0.02%; no homozygotes.

Submissions (4):

Labcorp Genetics (formerly Invitae), Labcorp
Classification: Likely benign for Bardet-Biedl syndrome. Last evaluated: 2025-11-28. Review status: criteria provided, single submitter. Criteria: Invitae Variant Classification Sherloc (09022015). Collection method: clinical testing. Allele origin: germline.

Blueprint Genetics
Classification: Likely benign. Last evaluated: 2024-10-03. Review status: criteria provided, single submitter. Criteria: ACMG Guidelines, 2015. Collection method: clinical testing. Allele origin: germline.

Eurofins Ntd Llc (ga)
Classification: Uncertain significance. Last evaluated: 2017-12-11. Review status: criteria provided, single submitter. Criteria: EGL Classification Definitions 2015. Collection method: clinical testing. Allele origin: germline. Observed: 2 variant alleles, 2 heterozygotes.

PreventionGenetics, part of Exact Sciences
Classification: Likely benign for TRIM32-related condition. Last evaluated: 2023-11-29. Review status: no assertion criteria provided. Collection method: clinical testing. Allele origin: germline. Not counted in ClinVar's aggregate classification.
Comment: This variant is classified as likely benign based on ACMG/AMP sequence variant interpretation guidelines (Richards et al. 2015 PMID: 25741868, with internal and published modifications).

NM_012210.4(TRIM32):c.330A>G (p.Gln110=)

Genes: ASTN2 (astrotactin 2; minus strand), TRIM32 (tripartite motif containing 32; plus strand). Cytogenetic location: 9q33.1.
Variant type: single nucleotide variant.
Coding change: c.330A>G on transcript NM_012210.4 (MANE Select); coding-DNA position 330, A replaced by G.
Protein change: p.Gln110=; no amino-acid change (glutamine 110 retained).
Molecular consequence: synonymous variant. On other transcripts: intron variant (3).
Genome position (GRCh38, 1-based): chr9:116,698,072, A>G. VCF-style: chr9-116698072-A-G. GRCh37 (hg19) VCF-style: chr9-119460351-A-G.
Other names: c.330A>G, p.Gln110= (NM_001099679.2, NM_001379048.1, NM_001379049.1 and 1 more transcripts); c.2653+27699T>C (NM_014010.5); c.2794+27699T>C (NM_001365069.1); c.2806+27699T>C (NM_001365068.1).
Identifiers: ClinVar variation 288179 (VCV000288179.17), dbSNP rs770015462, ClinGen allele CA5210946.
Genomic context (GRCh38, chr9:116,698,072, plus strand): 5'-GCTCAGCGAGGCTGTGGGGCTGCTCATGTGTCGGTCCTGTGGGCGGCGTCTGCCCCGGCA[A>G]TTCTGCCGGAGCTGTGGTTTGGTGTTATGTGAGCCCTGCCGGGAGGCAGACCATCAGCCT-3'
Protein context (NP_036342.2, residues 100-120): CRSCGRRLPR[Gln110=]FCRSCGLVLC